The following is an entry in ClinVar:

ClinVar aggregate classification (germline): Pathogenic. Review status: criteria provided, multiple submitters, no conflicts (2 of 4 stars). 4 submissions from 4 submitters: Pathogenic (3). 1 of the submissions does not count toward it. Last evaluated 2021-03-01.

Conditions:
Marfan Syndrome/Loeys-Dietz Syndrome/Familial Thoracic Aortic Aneurysms and Dissections. Identifiers: MedGen CN229799.
Marfan syndrome (MFS). Also called: MARFAN SYNDROME, TYPE I; FBN1-Related Marfan Syndrome; Marfan syndrome type 1; Marfan's syndrome; Marfan syndrome, classic. Identifiers: Orphanet 284963, Orphanet 558, MedGen C0024796, MONDO:0007947, OMIM 154700.

Submissions (4):

Centre of Medical Genetics, University of Antwerp
Classification: Pathogenic for Marfan syndrome. Last evaluated: 2021-03-01. Review status: criteria provided, single submitter. Criteria: Submitter's publication. Collection method: research. Allele origin: unknown. Affected: yes.
Comment: PM2, PVS1, PP4

Women's Health and Genetics/Laboratory Corporation of America, LabCorp
Classification: Pathogenic for Marfan Syndrome/Loeys-Dietz Syndrome/Familial Thoracic Aortic Aneurysms and Dissections. Last evaluated: 2017-03-14. Review status: criteria provided, single submitter. Criteria: LabCorp Variant Classification Summary - May 2015. Collection method: clinical testing. Allele origin: germline.
Comment: Variant summary: The FBN1 c.2858delT (p.Ile953Thrfs) variant results in a premature termination codon, predicted to cause a truncated or absent FBN1 protein due to nonsense mediated decay, which are commonly known mechanisms for disease. Truncations downstream of this position have been classified as pathogenic by our laboratory (e.g., c.3973dupG [p.Glul1325fs). The variant lies within the TGFBP #3 functional domain (UMD) and one in silico tool predicts a damaging outcome for this variant. This variant is absent from the large control database ExAC (0/115756 control chromosomes). In addition, the variant has been cataloged in patient databases, such as UMD (UMD IDs 2349 and 2905), and was reported in the literature in a MFS patient fulfilling the revised Ghent criteria and classified as causative by the authors (Baetens_2011). Taken together, this variant is classified as pathogenic.

ARUP Laboratories, Molecular Genetics and Genomics, ARUP Laboratories
Classification: Pathogenic. Last evaluated: 2016-10-19. Review status: criteria provided, single submitter. Criteria: ARUP Molecular Germline Variant Investigation Process. Collection method: clinical testing. Allele origin: germline.

Center for Medical Genetics Ghent, University of Ghent
Classification: Likely pathogenic for Marfan syndrome. Last evaluated: 2017-11-07. Review status: no assertion criteria provided. Collection method: clinical testing. Allele origin: germline. Affected: yes. Not counted in ClinVar's aggregate classification.

Literature cited by the submitters: PubMed 21542060 (cited by Women's Health and Genetics/Laboratory Corporation of America, LabCorp).

NM_000138.5(FBN1):c.2858del (p.Ile953fs)

Gene: FBN1 (fibrillin 1; minus strand). Cytogenetic location: 15q21.1.
Variant type: Deletion.
Coding change: c.2858del on transcript NM_000138.5 (MANE Select); coding-DNA position 2858, one base deleted (T; older notation c.2858delT).
Protein change: p.Ile953fs; shifts the reading frame from isoleucine 953.
Molecular consequence: frameshift variant.
Genome position (GRCh38, 1-based): chr15:48,490,075, A deleted on the plus strand (T on the coding strand, the reverse complement: FBN1 is on the minus strand). VCF-style (leftmost placement, unchanged base first): chr15-48490074-GA-G. GRCh37 (hg19) VCF-style: chr15-48782271-GA-G.
Other names: c.2858delT (NM_000138.4).
Identifiers: ClinVar variation 439703 (VCV000439703.24), dbSNP rs1555398836, ClinGen allele CA645509191.